The following is an entry in ClinVar:

ClinVar aggregate classification (germline): Uncertain significance. Review status: criteria provided, multiple submitters, no conflicts (2 of 4 stars). 2 submissions from 2 submitters: Uncertain significance (2). Last evaluated 2025-08-14.

Conditions:
Combined oxidative phosphorylation defect type 17. Also called: Combined oxidative phosphorylation deficiency 17. Identifiers: Orphanet 369913, MedGen C3809526, MONDO:0014190, OMIM 615440.
Inborn genetic diseases. Identifiers: MedGen C0950123, MeSH D030342.

Allele frequency attached by ClinVar (database versions not stated): gnomAD 0.00003; gnomAD exomes 0.00003; ExAC 0.00004.
gnomAD v4.1: 31 of 1,613,238 alleles (0.0019%); highest among the groups gnomAD compares: Middle Eastern, 0.033%; no homozygotes.

Submissions (2):

Ambry Genetics
Classification: Uncertain significance for Inborn genetic diseases. Last evaluated: 2025-08-14. Review status: criteria provided, single submitter. Criteria: Ambry Variant Classification Scheme 2023. Collection method: clinical testing. Allele origin: germline.

Labcorp Genetics (formerly Invitae), Labcorp
Classification: Uncertain significance for Combined oxidative phosphorylation defect type 17. Last evaluated: 2023-12-18. Review status: criteria provided, single submitter. Criteria: Invitae Variant Classification Sherloc (09022015). Collection method: clinical testing. Allele origin: germline.
Comment: This sequence change replaces glutamic acid, which is acidic and polar, with lysine, which is basic and polar, at codon 149 of the ELAC2 protein (p.Glu149Lys). This variant is present in population databases (rs779607134, gnomAD 0.007%). This variant has not been reported in the literature in individuals affected with ELAC2-related conditions. ClinVar contains an entry for this variant (Variation ID: 1428904). Advanced modeling of protein sequence and biophysical properties (such as structural, functional, and spatial information, amino acid conservation, physicochemical variation, residue mobility, and thermodynamic stability) performed at Invitae indicates that this missense variant is not expected to disrupt ELAC2 protein function with a negative predictive value of 80%. In summary, the available evidence is currently insufficient to determine the role of this variant in disease. Therefore, it has been classified as a Variant of Uncertain Significance.

NM_018127.7(ELAC2):c.445G>A (p.Glu149Lys)

Gene: ELAC2 (elaC ribonuclease Z 2; minus strand). Cytogenetic location: 17p12.
Variant type: single nucleotide variant.
Coding change: c.445G>A on transcript NM_018127.7 (MANE Select); coding-DNA position 445, G replaced by A.
Protein change: p.Glu149Lys; replaces glutamic acid 149 with lysine.
Molecular consequence: missense variant.
Genome position (GRCh38, 1-based): chr17:13,014,484, C>T on the plus strand (G>A on the coding strand, the complement: ELAC2 is on the minus strand). VCF-style: chr17-13014484-C-T. GRCh37 (hg19) VCF-style: chr17-12917801-C-T.
Other names: c.445G>A, p.Glu149Lys (NM_001165962.2, NM_173717.2); c.445G>A (NM_018127.6); short protein forms E149K.
Identifiers: ClinVar variation 1428904 (VCV001428904.5), dbSNP rs779607134, ClinGen allele CA8401653.